The following is an entry in ClinVar:

NM_033380.3(COL4A5):c.4063del (p.Glu1355fs)

Gene: COL4A5 (collagen type IV alpha 5 chain; plus strand). Cytogenetic location: Xq22.3.
Variant type: Deletion.
Coding change: c.4063del on transcript NM_033380.3 (MANE Select); coding-DNA position 4063, one base deleted (G; older notation c.4063delG).
Protein change: p.Glu1355fs; shifts the reading frame from glutamic acid 1355.
Molecular consequence: frameshift variant.
Genome position (GRCh38, 1-based): chrX:108,680,932, G deleted; the last of 5 consecutive G bases (chrX:108,680,928-108,680,932); deleting any one gives the same sequence. VCF-style (leftmost placement, unchanged base first): chrX-108680927-AG-A. GRCh37 (hg19) VCF-style: chrX-107924157-AG-A.
Other names: c.4045del, p.Glu1349fs (NM_000495.5); short protein forms E1355fs, E1349fs.
Identifiers: ClinVar variation 447210 (VCV000447210.10), dbSNP rs1556453276, ClinGen allele CA658659033.

ClinVar aggregate classification (germline): Pathogenic. Review status: criteria provided, multiple submitters, no conflicts (2 of 4 stars). 4 submissions from 4 submitters: Pathogenic (4). Last evaluated 2025-02-11.

Conditions:
X-linked Alport syndrome (ATS1). Also called: NEPHROPATHY AND DEAFNESS, X-LINKED; COL4A5-Related Nephropathy. Identifiers: Orphanet 63, Orphanet 88917, MedGen C4746986, MONDO:0010520, OMIM 301050.

Submissions (4):

Labcorp Genetics (formerly Invitae), Labcorp
Classification: Pathogenic. Last evaluated: 2025-02-11. Review status: criteria provided, single submitter. Criteria: Invitae Variant Classification Sherloc (09022015). Collection method: clinical testing. Allele origin: germline.
Comment: This sequence change creates a premature translational stop signal (p.Glu1349Asnfs*22) in the COL4A5 gene. It is expected to result in an absent or disrupted protein product. Loss-of-function variants in COL4A5 are known to be pathogenic (PMID: 9195222, 10752524, 14514738, 24854265, 26809805). This variant is not present in population databases (gnomAD no frequency). This premature translational stop signal has been observed in individual(s) with COL4A5-related conditions (PMID: 37100867). ClinVar contains an entry for this variant (Variation ID: 447210). For these reasons, this variant has been classified as Pathogenic.

Fulgent Genetics
Classification: Pathogenic for X-linked Alport syndrome. Last evaluated: 2021-08-23. Review status: criteria provided, single submitter. Criteria: ACMG Guidelines, 2015. Collection method: clinical testing. Allele origin: unknown.

Institute of Human Genetics Munich, TUM University Hospital
Classification: Pathogenic for X-linked Alport syndrome. Last evaluated: 2021-07-06. Review status: criteria provided, single submitter. Criteria: Classification criteria August 2017. Collection method: clinical testing. Allele origin: maternal. Inheritance: X-linked inheritance. Affected: yes. Observed: 1 variant allele.

Athena Diagnostics
Classification: Pathogenic. Last evaluated: 2017-04-26. Review status: criteria provided, single submitter. Criteria: Athena Diagnostics Criteria. Collection method: clinical testing. Allele origin: germline.

Literature cited by the submitters: PubMed 9195222 (cited by Labcorp Genetics (formerly Invitae), Labcorp); PubMed 10752524 (cited by Labcorp Genetics (formerly Invitae), Labcorp); PubMed 14514738 (cited by Labcorp Genetics (formerly Invitae), Labcorp); PubMed 24854265 (cited by Labcorp Genetics (formerly Invitae), Labcorp); PubMed 26809805 (cited by Labcorp Genetics (formerly Invitae), Labcorp); PubMed 37100867 (cited by Labcorp Genetics (formerly Invitae), Labcorp).